The following is an entry in ClinVar:

ClinVar aggregate classification (germline): Uncertain significance (1 of 4 stars; one submission).

Allele frequency attached by ClinVar (database versions not stated): gnomAD 0.00001; gnomAD exomes 0.00001 and 0.00002; ExAC 0.00002; TOPMed 0.00002; 1000 Genomes Project 30x 0.00016; 1000 Genomes Project 0.00020.
gnomAD v4.1: 11 of 1,614,170 alleles (0.00068%); highest among the groups gnomAD compares: East Asian, 0.022%; no homozygotes.

Submission:

GeneDx
Classification: Uncertain significance. Last evaluated: 2021-03-29. Review status: criteria provided, single submitter. Criteria: GeneDx Variant Classification Process June 2021. Collection method: clinical testing. Allele origin: germline. Affected: yes.
Comment: In silico analysis supports that this missense variant does not alter protein structure/function; Has not been previously published as pathogenic or benign to our knowledge

NM_015378.4(VPS13D):c.2764G>A (p.Glu922Lys)

Gene: VPS13D (vacuolar protein sorting 13 homolog D; plus strand). Cytogenetic location: 1p36.22.
Variant type: single nucleotide variant.
Coding change: c.2764G>A on transcript NM_015378.4 (MANE Select); coding-DNA position 2764, G replaced by A.
Protein change: p.Glu922Lys; replaces glutamic acid 922 with lysine.
Molecular consequence: missense variant.
Genome position (GRCh38, 1-based): chr1:12,276,352, G>A. VCF-style: chr1-12276352-G-A. GRCh37 (hg19) VCF-style: chr1-12336409-G-A.
Other names: c.2764G>A, p.Glu922Lys (NM_018156.4); short protein forms E922K.
Identifiers: ClinVar variation 1304303 (VCV001304303.2), dbSNP rs199543312, ClinGen allele CA601860.